The following is an entry in ClinVar:

NM_002227.4(JAK1):c.2404-125C>T

Gene: JAK1 (Janus kinase 1; minus strand). Cytogenetic location: 1p31.3.
Variant type: single nucleotide variant.
Coding change: c.2404-125C>T on transcript NM_002227.4 (MANE Select); 125 bases into the intron before coding-DNA position 2404, C replaced by T.
Molecular consequence: intron variant.
Genome position (GRCh38, 1-based): chr1:64,841,726, G>A on the plus strand (C>T on the coding strand, the complement: JAK1 is on the minus strand). VCF-style: chr1-64841726-G-A. GRCh37 (hg19) VCF-style: chr1-65307409-G-A.
Other names: c.2404-125C>T (NM_001321852.2, NM_001321854.2, NM_001321853.2 and 3 more transcripts); c.2401-125C>T (NM_001321857.2).
Identifiers: ClinVar variation 2628129 (VCV002628129.2), dbSNP rs310247, ClinGen allele CA16055842.

ClinVar aggregate classification (germline): Benign (1 of 4 stars; one submission).

Allele frequency attached by ClinVar (database versions not stated): TOPMed 0.58758; 1000 Genomes Project 0.60803; 1000 Genomes Project 30x 0.61587.
gnomAD v4.1: 447,242 of 947,774 alleles (47%); highest among the groups gnomAD compares: African/African-American, 83%; 111,695 homozygotes.

Submission:

Unidad de Genómica Garrahan, Hospital de Pediatría Garrahan
Classification: Benign. Last evaluated: 2023-11-12. Review status: criteria provided, single submitter. Criteria: ACMG Guidelines, 2015. Collection method: clinical testing. Allele origin: germline. Affected: no. Observed: 67 variant alleles.
Comment: This variant is classified as Benign based on local population frequency. This variant was detected in 70% of patients studied by a panel of primary immunodeficiencies. Number of patients: 67. Only high quality variants are reported.